The following is an entry in ClinVar:

NM_001430.5(EPAS1):c.1340C>A (p.Thr447Asn)

Gene: EPAS1 (endothelial PAS domain protein 1; plus strand). Cytogenetic location: 2p21.
Variant type: single nucleotide variant.
Coding change: c.1340C>A on transcript NM_001430.5 (MANE Select); coding-DNA position 1340, C replaced by A.
Protein change: p.Thr447Asn; replaces threonine 447 with asparagine.
Molecular consequence: missense variant.
Genome position (GRCh38, 1-based): chr2:46,377,984, C>A. VCF-style: chr2-46377984-C-A. GRCh37 (hg19) VCF-style: chr2-46605123-C-A.
Other names: short protein forms T447N.
Identifiers: ClinVar variation 1770350 (VCV001770350.2), dbSNP rs2546473540, ClinGen allele CA346703873.

ClinVar aggregate classification (germline): Uncertain significance (1 of 4 stars; one submission).

Conditions:
Inborn genetic diseases. Identifiers: MedGen C0950123, MeSH D030342.

Submission:

Ambry Genetics
Classification: Uncertain significance for Inborn genetic diseases. Last evaluated: 2021-08-07. Review status: criteria provided, single submitter. Criteria: Ambry Variant Classification Scheme 2023. Collection method: clinical testing. Allele origin: germline.
Comment: The p.T447N variant (also known as c.1340C>A), located in coding exon 10 of the EPAS1 gene, results from a C to A substitution at nucleotide position 1340. The threonine at codon 447 is replaced by asparagine, an amino acid with similar properties. This amino acid position is conserved. In addition, this alteration is predicted to be tolerated by in silico analysis. Since supporting evidence is limited at this time, the clinical significance of this alteration remains unclear.